The following is an entry in ClinVar:

NM_199420.4(POLQ):c.1027T>C (p.Phe343Leu)

Gene: POLQ (DNA polymerase theta; minus strand). Cytogenetic location: 3q13.33.
Variant type: single nucleotide variant.
Coding change: c.1027T>C on transcript NM_199420.4 (MANE Select); coding-DNA position 1027, T replaced by C.
Protein change: p.Phe343Leu; replaces phenylalanine 343 with leucine.
Molecular consequence: missense variant.
Genome position (GRCh38, 1-based): chr3:121,529,726, A>G on the plus strand (T>C on the coding strand, the complement: POLQ is on the minus strand). VCF-style: chr3-121529726-A-G. GRCh37 (hg19) VCF-style: chr3-121248573-A-G.
Other names: short protein forms F343L.
Identifiers: ClinVar variation 1769982 (VCV001769982.2), dbSNP rs2546817028, ClinGen allele CA354124637.
Genomic context (GRCh38, chr3:121,529,726, plus strand): 5'-TATAAAACTCTCGAGCAATGATATCTGCCAGCTTCTCACACCATTTCTTTGATGGACAAA[A>G]AAGTAATACTGAATGGTTATCACAAATCGTCTCATAACATAAACTAACAACATGGTCCTC-3'
Protein context (NP_955452.3, residues 333-353): TICDNHSVLL[Phe343Leu]CPSKKWCEKL

ClinVar aggregate classification (germline): Uncertain significance (1 of 4 stars; one submission).

Submission:

Ambry Genetics
Classification: Uncertain significance. Last evaluated: 2022-03-06. Review status: criteria provided, single submitter. Criteria: Ambry Variant Classification Scheme 2023. Collection method: clinical testing. Allele origin: germline.
Comment: The p.F343L variant (also known as c.1027T>C), located in coding exon 7 of the POLQ gene, results from a T to C substitution at nucleotide position 1027. The phenylalanine at codon 343 is replaced by leucine, an amino acid with highly similar properties. This amino acid position is conserved. In addition, this alteration is predicted to be deleterious by in silico analysis. Since supporting evidence is limited at this time, the clinical significance of this alteration remains unclear.